The following is an entry in ClinVar:

NM_001379081.2(FREM1):c.4427C>G (p.Ser1476Cys)

Gene: FREM1 (FRAS1 related extracellular matrix 1; minus strand). Cytogenetic location: 9p22.3.
Variant type: single nucleotide variant.
Coding change: c.4427C>G on transcript NM_001379081.2 (MANE Select); coding-DNA position 4427, C replaced by G.
Protein change: p.Ser1476Cys; replaces serine 1476 with cysteine.
Molecular consequence: missense variant. On other transcripts: non-coding transcript variant (1).
Genome position (GRCh38, 1-based): chr9:14,784,385, G>C on the plus strand (C>G on the coding strand, the complement: FREM1 is on the minus strand). VCF-style: chr9-14784385-G-C. GRCh37 (hg19) VCF-style: chr9-14784383-G-C.
Other names: c.4427C>G, p.Ser1476Cys (NM_144966.7); short protein forms S1476C.
Identifiers: ClinVar variation 1702613 (VCV001702613.4), dbSNP rs1281430978, ClinGen allele CA372965944.

ClinVar aggregate classification (germline): Uncertain significance. Review status: criteria provided, multiple submitters, no conflicts (2 of 4 stars). 2 submissions from 2 submitters: Uncertain significance (2). Last evaluated 2025-10-02.

Conditions:
Oculotrichoanal syndrome (MOTA). Also called: MARLES SYNDROME; Manitoba Oculotrichoanal (MOTA) Syndrome. Identifiers: Orphanet 2717, MedGen C1855425, MONDO:0009560, OMIM 248450.
BNAR syndrome. Also called: Bifid Nose With or Without Anorectal and Renal Anomalies (BNAR) Syndrome. Identifiers: Orphanet 217266, MedGen C2750433, MONDO:0012165, OMIM 608980.
Trigonocephaly 2 (TRIGNO2). Identifiers: Orphanet 3366, MedGen C3280974, MONDO:0013774, OMIM 614485.

Allele frequency attached by ClinVar (database versions not stated): gnomAD exomes below 0.00001 and 0.00001; TOPMed 0.00002; gnomAD 0.00001.
gnomAD v4.1: 15 of 1,613,326 alleles (0.00093%); highest among the groups gnomAD compares: African/African-American, 0.0027%; no homozygotes.

Submissions (2):

GeneDx
Classification: Uncertain significance. Last evaluated: 2025-10-02. Review status: criteria provided, single submitter. Criteria: GeneDx Variant Classification Process June 2021. Collection method: clinical testing. Allele origin: germline.
Comment: Not observed at significant frequency in large population cohorts (gnomAD); In silico analysis supports that this missense variant has a deleterious effect on protein structure/function; Has not been previously published as pathogenic or benign to our knowledge

Fulgent Genetics
Classification: Uncertain significance for Oculotrichoanal syndrome; BNAR syndrome; Trigonocephaly 2. Last evaluated: 2024-05-12. Review status: criteria provided, single submitter. Criteria: ACMG Guidelines, 2015. Collection method: clinical testing. Allele origin: germline.